The following is an entry in ClinVar:

ClinVar aggregate classification (germline): Conflicting classifications of pathogenicity. Review status: criteria provided, conflicting classifications (1 of 4 stars). 2 submissions from 2 submitters: Likely pathogenic (1); Uncertain significance (1). Last evaluated 2026-06-09.

Submissions (2):

GeneDx
Classification: Likely pathogenic. Last evaluated: 2026-06-09. Review status: criteria provided, single submitter. Criteria: GeneDx Variant Classification Process June 2021. Collection method: clinical testing. Allele origin: germline.
Comment: Nonsense variant predicted to result in protein truncation, as the last 34 amino acid(s) are lost, and other loss-of-function variants have been reported downstream in HGMD; Not observed at significant frequency in large population cohorts (gnomAD); Has not been previously published as pathogenic or benign to our knowledge

Labcorp Genetics (formerly Invitae), Labcorp
Classification: Uncertain significance. Last evaluated: 2018-12-12. Review status: criteria provided, single submitter. Criteria: Invitae Variant Classification Sherloc (09022015). Collection method: clinical testing. Allele origin: germline.
Comment: In summary, the available evidence is currently insufficient to determine the role of this variant in disease. Therefore, it has been classified as a Variant of Uncertain Significance. Experimental studies and prediction algorithms are not available for this variant, and the functional significance of the deleted amino acids is currently unknown. This variant has been observed in two siblings affected with a KMT2A-related condition (Invitae). This variant is not present in population databases (ExAC no frequency). This sequence change results in a premature translational stop signal in the KMT2A gene (p.Arg3939*). While this is not anticipated to result in nonsense mediated decay, it is expected to delete the last 34 amino acids of the KMT2A protein.

NM_001197104.2(KMT2A):c.11815C>T (p.Arg3939Ter)

Genes: KMT2A (lysine methyltransferase 2A; plus strand), TTC36-AS1 (TTC36 and KMT2A antisense RNA 1; minus strand). Cytogenetic location: 11q23.3.
Variant type: single nucleotide variant.
Coding change: c.11815C>T on transcript NM_001197104.2 (MANE Select); coding-DNA position 11815, C replaced by T.
Protein change: p.Arg3939Ter; replaces arginine 3939 with a stop codon.
Molecular consequence: nonsense.
Genome position (GRCh38, 1-based): chr11:118,522,068, C>T. VCF-style: chr11-118522068-C-T. GRCh37 (hg19) VCF-style: chr11-118392783-C-T.
Other names: c.11806C>T, p.Arg3936Ter (NM_005933.4); short protein forms R3936*, R3939*.
Identifiers: ClinVar variation 664525 (VCV000664525.10), dbSNP rs1591312470, ClinGen allele CA382836471.
Genomic context (GRCh38, chr11:118,522,068, plus strand): 5'-CGGGTCATCAATATTGATGGGCAGAAGCACATTGTCATCTTTGCCATGCGTAAGATCTAC[C>T]GAGGAGAGGAACTCACTTACGACTATAAGTTCCCCATTGAGGATGCCAGCAACAAGCTGC-3'